The following is an entry in ClinVar:

NM_004055.5(CAPN5):c.1379G>A (p.Arg460His)

Gene: CAPN5 (calpain 5; plus strand). Cytogenetic location: 11q13.5.
Variant type: single nucleotide variant.
Coding change: c.1379G>A on transcript NM_004055.5 (MANE Select); coding-DNA position 1379, G replaced by A.
Protein change: p.Arg460His; replaces arginine 460 with histidine.
Molecular consequence: missense variant.
Genome position (GRCh38, 1-based): chr11:77,120,801, G>A. VCF-style: chr11-77120801-G-A. GRCh37 (hg19) VCF-style: chr11-76831847-G-A.
Other names: c.1379G>A (NM_004055.4); short protein forms R460H.
Identifiers: ClinVar variation 1464266 (VCV001464266.7), dbSNP rs373394985, ClinGen allele CA6196794.
Genomic context (GRCh38, chr11:77,120,801, plus strand): 5'-ACAGCCTGCAGCACAAGGCCGCCAGCTCCATCTACATCAACTCACGCAGCGTCTTCCTGC[G>A]CACCGACCAGCCCGAGGGCCGCTATGTCATCATCCCCACAACCTTCGAGCCAGGCCACAC-3'
Protein context (NP_004046.2, residues 450-470): IYINSRSVFL[Arg460His]TDQPEGRYVI

ClinVar aggregate classification (germline): Uncertain significance. Review status: criteria provided, multiple submitters, no conflicts (2 of 4 stars). 2 submissions from 2 submitters: Uncertain significance (2). Last evaluated 2025-12-09.

Conditions:
Inborn genetic diseases. Identifiers: MedGen C0950123, MeSH D030342.

Allele frequency attached by ClinVar (database versions not stated): gnomAD exomes 0.00002 and 0.00004; gnomAD 0.00003 and 0.00004; ExAC 0.00004; TOPMed 0.00006; ESP Exome Variant Server 0.00015.
gnomAD v4.1: 37 of 1,613,958 alleles (0.0023%); highest among the groups gnomAD compares: East Asian, 0.0067%; no homozygotes.

Submissions (2):

Labcorp Genetics (formerly Invitae), Labcorp
Classification: Uncertain significance. Last evaluated: 2025-12-09. Review status: criteria provided, single submitter. Criteria: Invitae Variant Classification Sherloc (09022015). Collection method: clinical testing. Allele origin: germline.
Comment: This sequence change replaces arginine, which is basic and polar, with histidine, which is basic and polar, at codon 460 of the CAPN5 protein (p.Arg460His). This variant is present in population databases (rs373394985, gnomAD 0.02%). This variant has not been reported in the literature in individuals affected with CAPN5-related conditions. ClinVar contains an entry for this variant (Variation ID: 1464266). Invitae Evidence Modeling of protein sequence and biophysical properties (such as structural, functional, and spatial information, amino acid conservation, physicochemical variation, residue mobility, and thermodynamic stability) indicates that this missense variant is not expected to disrupt CAPN5 protein function with a negative predictive value of 80%. In summary, the available evidence is currently insufficient to determine the role of this variant in disease. Therefore, it has been classified as a Variant of Uncertain Significance.

Ambry Genetics
Classification: Uncertain significance for Inborn genetic diseases. Last evaluated: 2024-02-06. Review status: criteria provided, single submitter. Criteria: Ambry Variant Classification Scheme 2023. Collection method: clinical testing. Allele origin: germline.